The following is an entry in ClinVar:

NM_080680.3(COL11A2):c.2465G>C (p.Ser822Thr)

Gene: COL11A2 (collagen type XI alpha 2 chain; minus strand). Cytogenetic location: 6p21.32.
Variant type: single nucleotide variant.
Coding change: c.2465G>C on transcript NM_080680.3 (MANE Select); coding-DNA position 2465, G replaced by C.
Protein change: p.Ser822Thr; replaces serine 822 with threonine.
Molecular consequence: missense variant.
Genome position (GRCh38, 1-based): chr6:33,174,184, C>G on the plus strand (G>C on the coding strand, the complement: COL11A2 is on the minus strand). VCF-style: chr6-33174184-C-G. GRCh37 (hg19) VCF-style: chr6-33141961-C-G.
Other names: c.2144G>C, p.Ser715Thr (NM_080679.3); c.2207G>C, p.Ser736Thr (NM_080681.3); c.2465G>C (NM_080680.2); short protein forms S822T, S715T, S736T.
Identifiers: ClinVar variation 1923967 (VCV001923967.4), dbSNP rs2534978069, ClinGen allele CA363643690.

ClinVar aggregate classification (germline): Uncertain significance. Review status: criteria provided, multiple submitters, no conflicts (2 of 4 stars). 2 submissions from 2 submitters: Uncertain significance (2). Last evaluated 2025-08-24.

Conditions:
Inborn genetic diseases. Identifiers: MedGen C0950123, MeSH D030342.

Submissions (2):

Labcorp Genetics (formerly Invitae), Labcorp
Classification: Uncertain significance. Last evaluated: 2025-08-24. Review status: criteria provided, single submitter. Criteria: Invitae Variant Classification Sherloc (09022015). Collection method: clinical testing. Allele origin: germline.
Comment: This sequence change replaces serine, which is neutral and polar, with threonine, which is neutral and polar, at codon 822 of the COL11A2 protein (p.Ser822Thr). This variant is not present in population databases (gnomAD no frequency). This variant has not been reported in the literature in individuals affected with COL11A2-related conditions. ClinVar contains an entry for this variant (Variation ID: 1923967). Invitae Evidence Modeling of protein sequence and biophysical properties (such as structural, functional, and spatial information, amino acid conservation, physicochemical variation, residue mobility, and thermodynamic stability) indicates that this missense variant is not expected to disrupt COL11A2 protein function with a negative predictive value of 95%. In summary, the available evidence is currently insufficient to determine the role of this variant in disease. Therefore, it has been classified as a Variant of Uncertain Significance.

Ambry Genetics
Classification: Uncertain significance for Inborn genetic diseases. Last evaluated: 2025-03-25. Review status: criteria provided, single submitter. Criteria: Ambry Variant Classification Scheme 2023. Collection method: clinical testing. Allele origin: germline.